The following is an entry in ClinVar:

ClinVar aggregate classification (germline): Conflicting classifications of pathogenicity. Review status: criteria provided, conflicting classifications (1 of 4 stars). 4 submissions from 4 submitters: Uncertain significance (1); Benign (2); Likely benign (1). Last evaluated 2026-01-08.

Conditions:
Inborn genetic diseases. Identifiers: MedGen C0950123, MeSH D030342.
Amyotrophic lateral sclerosis (ALS). Also called: Charcot disease; Lou Gehrig disease. Identifiers: Orphanet 803, MedGen C0002736, MONDO:0004976, HP:0007354.

Allele frequency attached by ClinVar (database versions not stated): ExAC 0.00019; gnomAD exomes 0.00553; 1000 Genomes Project 30x 0.01874; gnomAD 0.03078 and 0.03181.

Submissions (4):

Labcorp Genetics (formerly Invitae), Labcorp
Classification: Benign. Last evaluated: 2026-01-08. Review status: criteria provided, single submitter. Criteria: Invitae Variant Classification Sherloc (09022015). Collection method: clinical testing. Allele origin: germline.

Ambry Genetics
Classification: Benign for Inborn genetic diseases. Last evaluated: 2022-02-11. Review status: criteria provided, single submitter. Criteria: Ambry Variant Classification Scheme 2023. Collection method: clinical testing. Allele origin: germline.

UM ALS/MND Lab, University Of Malta
Classification: Uncertain significance for Amyotrophic lateral sclerosis. Last evaluated: 2020-09-09. Review status: criteria provided, single submitter. Criteria: ACMG Guidelines, 2015. Collection method: case-control. Allele origin: unknown. Affected: yes. Observed: 2 variant alleles.
Comment: Single heterozygote

GeneDx
Classification: Likely benign. Last evaluated: 2019-03-15. Review status: criteria provided, single submitter. Criteria: GeneDx Variant Classification Process June 2021. Collection method: clinical testing. Allele origin: germline. Affected: yes.
Comment: This variant is associated with the following publications: (PMID: 33208543)

NM_021076.4(NEFH):c.2009T>A (p.Val670Glu)

Gene: NEFH (neurofilament heavy chain; plus strand). Cytogenetic location: 22q12.2.
Variant type: single nucleotide variant.
Coding change: c.2009T>A on transcript NM_021076.4 (MANE Select); coding-DNA position 2009, T replaced by A.
Protein change: p.Val670Glu; replaces valine 670 with glutamic acid.
Molecular consequence: missense variant.
Genome position (GRCh38, 1-based): chr22:29,489,649, T>A. VCF-style: chr22-29489649-T-A. GRCh37 (hg19) VCF-style: chr22-29885638-T-A.
Other names: short protein forms V670E.
Identifiers: ClinVar variation 981024 (VCV000981024.11), dbSNP rs190692435, ClinGen allele CA10174327.